The following is an entry in ClinVar:

ClinVar aggregate classification (germline): Conflicting classifications of pathogenicity. Review status: criteria provided, conflicting classifications (1 of 4 stars). 2 submissions from 2 submitters: Uncertain significance (1); Benign (1). Last evaluated 2024-08-23.

Conditions:
Hereditary cancer-predisposing syndrome. Also called: Hereditary Cancer Syndrome; Hereditary neoplastic syndrome; Neoplastic Syndromes, Hereditary; Tumor predisposition. Identifiers: Orphanet 140162, MedGen C0027672, MeSH D009386, MONDO:0015356.

Allele frequency attached by ClinVar (database versions not stated): TOPMed below 0.00001; ExAC 0.00001.
gnomAD v4.1: 1 of 1,614,116 alleles (0.000062%); highest among the groups gnomAD compares: Non-Finnish European, 0.000085%; no homozygotes.

Submissions (2):

Ambry Genetics
Classification: Benign for Hereditary cancer-predisposing syndrome. Last evaluated: 2024-08-23. Review status: criteria provided, single submitter. Criteria: Ambry Variant Classification Scheme 2023. Collection method: clinical testing. Allele origin: germline.

Sema4
Classification: Uncertain significance for Hereditary cancer-predisposing syndrome. Last evaluated: 2021-10-13. Review status: criteria provided, single submitter. Criteria: Sema4 Curation Guidelines. Collection method: curation. Allele origin: germline.
Comment: To the best of our knowledge, the RAD51C c.4C>T (p.R2C) variant has not been reported in individuals with RAD51C-related disease. It was observed in 1/251270 chromosomes in the large and broad cohorts of the Genome Aggregation Database (PMID: 32461654). The variant has not been reported in ClinVar. In silico tools suggest the impact of the variant on protein function is benign, though these predictions have not been confirmed by functional studies. The evidence is insufficient to meet ACMG/AMP criteria for classifying the variant as benign or pathogenic. Thus, the clinical significance of this variant is currently uncertain.

NM_058216.3(RAD51C):c.4C>T (p.Arg2Cys)

Gene: RAD51C (RAD51 paralog C; plus strand). Cytogenetic location: 17q22.
Variant type: single nucleotide variant.
Coding change: c.4C>T on transcript NM_058216.3 (MANE Select); coding-DNA position 4, C replaced by T.
Protein change: p.Arg2Cys; replaces arginine 2 with cysteine.
Molecular consequence: missense variant. On other transcripts: non-coding transcript variant (2).
Genome position (GRCh38, 1-based): chr17:58,692,647, C>T. VCF-style: chr17-58692647-C-T. GRCh37 (hg19) VCF-style: chr17-56770008-C-T.
Other names: c.4C>T, p.Arg2Cys (NM_002876.4); short protein forms R2C.
Identifiers: ClinVar variation 1692063 (VCV001692063.2), dbSNP rs758029117, ClinGen allele CA8677116.
Genomic context (GRCh38, chr17:58,692,647, plus strand): 5'-CGCCCCAGCGAGGGCGTGCGGAGTTTGGCTGCTCCGGGGTTAGCAGGTGAGCCTGCGATG[C>T]GCGGGAAGACGTTCCGCTTTGAAATGCAGCGGGATTTGGTGAGTTTCCCGCTGTCTCCAG-3'
Protein context (NP_478123.1, residues 1-12): M[Arg2Cys]GKTFRFEMQR